The following is an entry in ClinVar:

NM_018255.4(ELP2):c.1853C>T (p.Thr618Met)

Gene: ELP2 (elongator acetyltransferase complex subunit 2; plus strand). Cytogenetic location: 18q12.2.
Variant type: single nucleotide variant.
Coding change: c.1853C>T on transcript NM_018255.4 (MANE Select); coding-DNA position 1853, C replaced by T.
Protein change: p.Thr618Met; replaces threonine 618 with methionine.
Molecular consequence: missense variant. On other transcripts: non-coding transcript variant (4).
Genome position (GRCh38, 1-based): chr18:36,164,566, C>T. VCF-style: chr18-36164566-C-T. GRCh37 (hg19) VCF-style: chr18-33744529-C-T.
Other names: c.2048C>T, p.Thr683Met (NM_001242875.3); c.1838C>T, p.Thr613Met (NM_001242876.3); c.1775C>T, p.Thr592Met (NM_001242877.3); c.1643C>T, p.Thr548Met (NM_001242878.3, NM_001242879.3); c.1721C>T, p.Thr574Met (NM_001324465.2); c.1970C>T, p.Thr657Met (NM_001324466.2); c.1703C>T, p.Thr568Met (NM_001324467.2); c.1406C>T, p.Thr469Met (NM_001324468.2); short protein forms T469M, T548M, T568M, T574M, T592M, T613M, T618M, T657M.
Identifiers: ClinVar variation 3360641 (VCV003360641.1).

ClinVar aggregate classification (germline): Uncertain significance (1 of 4 stars; one submission).

gnomAD v4.1: 150 of 1,614,088 alleles (0.0093%); highest among the groups gnomAD compares: South Asian, 0.041%; no homozygotes.

Submission:

GeneDx
Classification: Uncertain significance. Last evaluated: 2023-07-11. Review status: criteria provided, single submitter. Criteria: GeneDx Variant Classification Process June 2021. Collection method: clinical testing. Allele origin: germline. Affected: yes.
Comment: Has not been previously published as pathogenic or benign to our knowledge; In silico analysis supports that this missense variant has a deleterious effect on protein structure/function